The following is an entry in ClinVar:

ClinVar aggregate classification (germline): Uncertain significance. Review status: criteria provided, multiple submitters, no conflicts (2 of 4 stars). 2 submissions from 2 submitters: Uncertain significance (2). Last evaluated 2023-11-06.

Conditions:
Inborn genetic diseases. Identifiers: MedGen C0950123, MeSH D030342.
Brachyolmia-amelogenesis imperfecta syndrome. Also called: Tooth agenesis, selective, 6; Dental anomalies and short stature; PLATYSPONDYLY WITH AMELOGENESIS IMPERFECTA. Identifiers: Orphanet 2899, MedGen C1832594, MONDO:0011018, OMIM 601216. Disease mechanism: loss of function.

Allele frequency attached by ClinVar (database versions not stated): TOPMed below 0.00001.

Submissions (2):

Ambry Genetics
Classification: Uncertain significance for Inborn genetic diseases. Last evaluated: 2023-11-06. Review status: criteria provided, single submitter. Criteria: Ambry Variant Classification Scheme 2023. Collection method: clinical testing. Allele origin: germline.
Comment: The p.V937L variant (also known as c.2809G>T), located in coding exon 20 of the LTBP3 gene, results from a G to T substitution at nucleotide position 2809. The valine at codon 937 is replaced by leucine, an amino acid with highly similar properties. This amino acid position is conserved. In addition, the in silico prediction for this alteration is inconclusive. Since supporting evidence is limited at this time, the clinical significance of this alteration remains unclear.

Labcorp Genetics (formerly Invitae), Labcorp
Classification: Uncertain significance for Brachyolmia-amelogenesis imperfecta syndrome. Last evaluated: 2023-02-01. Review status: criteria provided, single submitter. Criteria: Invitae Variant Classification Sherloc (09022015). Collection method: clinical testing. Allele origin: germline.
Comment: Algorithms developed to predict the effect of missense changes on protein structure and function are either unavailable or do not agree on the potential impact of this missense change (SIFT: "Deleterious"; PolyPhen-2: "Possibly Damaging"; Align-GVGD: "Class C0"). This variant is not present in population databases (gnomAD no frequency). This variant has not been reported in the literature in individuals affected with LTBP3-related conditions. This sequence change replaces valine, which is neutral and non-polar, with leucine, which is neutral and non-polar, at codon 937 of the LTBP3 protein (p.Val937Leu). In summary, the available evidence is currently insufficient to determine the role of this variant in disease. Therefore, it has been classified as a Variant of Uncertain Significance.

NM_001130144.3(LTBP3):c.2809G>T (p.Val937Leu)

Gene: LTBP3 (latent transforming growth factor beta binding protein 3; minus strand). Cytogenetic location: 11q13.1.
Variant type: single nucleotide variant.
Coding change: c.2809G>T on transcript NM_001130144.3 (MANE Select); coding-DNA position 2809, G replaced by T.
Protein change: p.Val937Leu; replaces valine 937 with leucine.
Molecular consequence: missense variant.
Genome position (GRCh38, 1-based): chr11:65,541,210, C>A on the plus strand (G>T on the coding strand, the complement: LTBP3 is on the minus strand). VCF-style: chr11-65541210-C-A. GRCh37 (hg19) VCF-style: chr11-65308681-C-A.
Other names: c.2809G>T (NM_001130144.2); c.2458G>T, p.Val820Leu (NM_001164266.1); c.2809G>T, p.Val937Leu (NM_021070.4); short protein forms V820L, V937L.
Identifiers: ClinVar variation 2993144 (VCV002993144.4), dbSNP rs1856122437, ClinGen allele CA381268350.